The following is an entry in ClinVar:

ClinVar aggregate classification (germline): Benign/Likely benign. Review status: criteria provided, multiple submitters, no conflicts (2 of 4 stars). 8 submissions from 8 submitters: Benign (7); Likely benign (1). Last evaluated 2026-02-04.

Conditions:
Hermansky-Pudlak syndrome 2 (HPS2). Also called: Platelet defects and oculocutaneous albinism. Identifiers: Orphanet 183678, Orphanet 79430, MedGen C1842362, MONDO:0011997, OMIM 608233.

Submissions (8):

Labcorp Genetics (formerly Invitae), Labcorp
Classification: Benign for Hermansky-Pudlak syndrome 2. Last evaluated: 2026-02-04. Review status: criteria provided, single submitter. Criteria: Invitae Variant Classification Sherloc (09022015). Collection method: clinical testing. Allele origin: germline.

Women's Health and Genetics/Laboratory Corporation of America, LabCorp
Classification: Benign. Last evaluated: 2025-02-09. Review status: criteria provided, single submitter. Criteria: LabCorp Variant Classification Summary - May 2015. Collection method: clinical testing. Allele origin: germline.

Blueprint Genetics
Classification: Likely benign. Last evaluated: 2024-11-26. Review status: criteria provided, single submitter. Criteria: ACMG Guidelines, 2015. Collection method: clinical testing. Allele origin: germline.

Unidad de Genómica Garrahan, Hospital de Pediatría Garrahan
Classification: Benign. Last evaluated: 2023-11-12. Review status: criteria provided, single submitter. Criteria: ACMG Guidelines, 2015. Collection method: clinical testing. Allele origin: germline. Affected: no. Observed: 50 variant alleles.
Comment: This variant is classified as Benign based on local population frequency. This variant was detected in 52% of patients studied by a panel of primary immunodeficiencies. Number of patients: 50. Only high quality variants are reported.

Mayo Clinic Laboratories, Mayo Clinic
Classification: Benign. Last evaluated: 2022-09-29. Review status: criteria provided, single submitter. Criteria: ACMG Guidelines, 2015. Collection method: clinical testing. Allele origin: germline. Observed: 1,387 variant alleles.

Genome-Nilou Lab
Classification: Benign for Hermansky-Pudlak syndrome 2. Last evaluated: 2021-07-14. Review status: criteria provided, single submitter. Criteria: ACMG Guidelines, 2015. Collection method: clinical testing. Allele origin: germline. Affected: no.

GeneDx
Classification: Benign. Last evaluated: 2018-12-26. Review status: criteria provided, single submitter. Criteria: GeneDx Variant Classification Process June 2021. Collection method: clinical testing. Allele origin: germline. Affected: yes.

Laboratory for Molecular Medicine, Mass General Brigham Personalized Medicine
Classification: Benign. Last evaluated: 2016-03-28. Review status: criteria provided, single submitter. Criteria: LMM Criteria. Collection method: clinical testing. Allele origin: germline.
Comment: Variant identified in a genome or exome case(s) and assessed due to predicted null impact of the variant or pathogenic assertions in the literature or databases. Disclaimer: This variant has not undergone full assessment. The following are preliminary notes: Frequency

NM_003664.5(AP3B1):c.280-6dup

Gene: AP3B1 (adaptor related protein complex 3 subunit beta 1; minus strand). Cytogenetic location: 5q14.1.
Variant type: Duplication.
Coding change: c.280-6dup on transcript NM_003664.5 (MANE Select); 6 bases into the intron before coding-DNA position 280, one base duplicated (T; older notation c.280-6dupT).
Molecular consequence: intron variant.
Genome position (GRCh38, 1-based): chr5:78,228,245, A duplicated on the plus strand (T on the coding strand, the reverse complement: AP3B1 is on the minus strand); the first of 9 consecutive A bases (chr5:78,228,245-78,228,253); duplicating any one gives the same sequence. VCF-style (leftmost placement, unchanged base first): chr5-78228244-T-TA. GRCh37 (hg19) VCF-style: chr5-77524068-T-TA.
Other names: NM_003664.3:c.280-6dupT; p.?; c.280-6dupT (NM_003664.5); c.280-6dup (NM_003664.4); c.133-6dup (NM_001271769.2).
Identifiers: ClinVar variation 354253 (VCV000354253.24), dbSNP rs5868908, ClinGen allele CA3317397.